The following is an entry in ClinVar:

NM_001429.4(EP300):c.3174G>A (p.Leu1058=)

Gene: EP300 (E1A binding protein p300; plus strand). Cytogenetic location: 22q13.2.
Variant type: single nucleotide variant.
Coding change: c.3174G>A on transcript NM_001429.4 (MANE Select); coding-DNA position 3174, G replaced by A.
Protein change: p.Leu1058=; no amino-acid change (leucine 1058 retained).
Molecular consequence: synonymous variant.
Genome position (GRCh38, 1-based): chr22:41,155,026, G>A. VCF-style: chr22-41155026-G-A. GRCh37 (hg19) VCF-style: chr22-41551030-G-A.
Other names: c.3096G>A, p.Leu1032= (NM_001362843.2).
Identifiers: ClinVar variation 3356586 (VCV003356586.1).
Genomic context (GRCh38, chr22:41,155,026, plus strand): 5'-TAATTTCAAATGCACTTTTTTTTTTTAAGTTTTCAAACCAGAAGAACTACGACAGGCACT[G>A]ATGCCAACTTTGGAGGCACTTTACCGTCAGGATCCAGAATCCCTTCCCTTTCGTCAACCT-3'
Protein context (NP_001420.2, residues 1048-1068): IFKPEELRQA[Leu1058=]MPTLEALYRQ

ClinVar aggregate classification (germline): Likely benign (0 of 4 stars; one submission).

Conditions:
EP300-related disorder. Also called: EP300-related disorders; EP300-related condition.

gnomAD v4.1: 10 of 1,613,890 alleles (0.00062%); highest among the groups gnomAD compares: South Asian, 0.0099%; no homozygotes.

Submission:

PreventionGenetics, part of Exact Sciences
Classification: Likely benign for EP300-related condition. Last evaluated: 2024-09-18. Review status: no assertion criteria provided. Collection method: clinical testing. Allele origin: germline.
Comment: This variant is classified as likely benign based on ACMG/AMP sequence variant interpretation guidelines (Richards et al. 2015 PMID: 25741868, with internal and published modifications).